The following is an entry in ClinVar:

NM_000439.5(PCSK1):c.181-4A>G

Genes: CAST (calpastatin; plus strand), PCSK1 (proprotein convertase subtilisin/kexin type 1; minus strand), LOC101929710 (uncharacterized LOC101929710; plus strand). Cytogenetic location: 5q15.
Variant type: single nucleotide variant.
Coding change: c.181-4A>G on transcript NM_000439.5 (MANE Select); 4 bases into the intron before coding-DNA position 181, A replaced by G.
Molecular consequence: intron variant.
Genome position (GRCh38, 1-based): chr5:96,429,321, T>C on the plus strand (A>G on the coding strand, the complement: PCSK1 is on the minus strand). VCF-style: chr5-96429321-T-C. GRCh37 (hg19) VCF-style: chr5-95765025-T-C.
Other names: c.-175+49669T>C (NM_001423254.1, NM_001423259.1, NM_001423255.1 and 6 more transcripts); c.-103+49669T>C (NM_001423253.1); c.-40+49669T>C (NM_001423258.1); c.40-4A>G (NM_001177875.2).
Identifiers: ClinVar variation 3353574 (VCV003353574.1).

ClinVar aggregate classification (germline): Likely benign (0 of 4 stars; one submission).

Conditions:
PCSK1-related disorder. Also called: PCSK1-related condition.

Submission:

PreventionGenetics, part of Exact Sciences
Classification: Likely benign for PCSK1-related condition. Last evaluated: 2022-03-31. Review status: no assertion criteria provided. Collection method: clinical testing. Allele origin: germline.
Comment: This variant is classified as likely benign based on ACMG/AMP sequence variant interpretation guidelines (Richards et al. 2015 PMID: 25741868, with internal and published modifications).